The following is an entry in ClinVar:

NM_172107.4(KCNQ2):c.1067T>G (p.Leu356Arg)

Gene: KCNQ2 (potassium voltage-gated channel subfamily Q member 2; minus strand). Cytogenetic location: 20q13.33.
Variant type: single nucleotide variant.
Coding change: c.1067T>G on transcript NM_172107.4 (MANE Select); coding-DNA position 1067, T replaced by G.
Protein change: p.Leu356Arg; replaces leucine 356 with arginine.
Molecular consequence: missense variant.
Genome position (GRCh38, 1-based): chr20:63,433,860, A>C on the plus strand (T>G on the coding strand, the complement: KCNQ2 is on the minus strand). VCF-style: chr20-63433860-A-C. GRCh37 (hg19) VCF-style: chr20-62065213-A-C.
Other names: c.1067T>G, p.Leu356Arg (NM_004518.6, NM_172106.3, NM_172108.5 and 1 more transcripts); short protein forms L356R.
Identifiers: ClinVar variation 373925 (VCV000373925.4), dbSNP rs1057518772, ClinGen allele CA16043566.

ClinVar aggregate classification (germline): Likely pathogenic. Review status: criteria provided, single submitter (1 of 4 stars). 2 submissions from 1 submitter: Likely pathogenic (1). 1 of the submissions does not count toward it. Last evaluated 2016-01-01.

Conditions:
Intellectual disability. Also called: Intellectual developmental disorder; Intellectual functioning disability; intellectual disabilities. Identifiers: MedGen C3714756, MeSH D008607, MONDO:0001071, HP:0001249.
Developmental and epileptic encephalopathy, 7 (DEE7). Also called: Early infantile epileptic encephalopathy 7; KCNQ2-Related Neonatal Epileptic Encephalopathy; KCNQ2-Related Neonatal-Onset Developmental and Epileptic Encephalopathy (NEO-DEE). Identifiers: Orphanet 439218, MedGen C3150986, MONDO:0013387, OMIM 613720.

Submissions (2):

Centre for Mendelian Genomics, University Medical Centre Ljubljana
Classification: Likely pathogenic for Developmental and epileptic encephalopathy, 7. Last evaluated: 2016-01-01. Review status: criteria provided, single submitter. Criteria: ACMG Guidelines, 2015. Collection method: clinical testing. Allele origin: unknown. Affected: yes.
Comment: This variant was classified as: Likely pathogenic. This variant arose de novo in at least one reported proband.

Centre for Mendelian Genomics, University Medical Centre Ljubljana
Classification: Likely pathogenic for Intellectual disability. Last evaluated: 2016-03-09. Review status: no assertion criteria provided. Collection method: clinical testing. Allele origin: unknown. Affected: yes. Not counted in ClinVar's aggregate classification.